The following is an entry in ClinVar:

ClinVar aggregate classification (germline): Pathogenic/Likely pathogenic. Review status: criteria provided, multiple submitters, no conflicts (2 of 4 stars). 13 submissions from 13 submitters: Pathogenic (11); Likely pathogenic (2). Last evaluated 2025-11-09.

Conditions:
PABPN1-related disorders.
Oculopharyngeal muscular dystrophy 1 (OPMD1). Identifiers: MedGen CN376802, MONDO:0958176, OMIM 164300.
Inborn genetic diseases. Identifiers: MedGen C0950123, MeSH D030342.
Oculopharyngeal muscular dystrophy. Identifiers: Orphanet 270, MedGen C0270952, MONDO:0008116.

Submissions (13):

Labcorp Genetics (formerly Invitae), Labcorp
Classification: Pathogenic. Last evaluated: 2025-11-09. Review status: criteria provided, single submitter. Criteria: Invitae Variant Classification Sherloc (09022015). Collection method: clinical testing. Allele origin: germline.
Comment: This variant, c.15_23dup, results in the insertion of 3 amino acid(s) of the PABPN1 protein (p.Ala9_Ala11dup), but otherwise preserves the integrity of the reading frame. The frequency data for this variant in the population databases is considered unreliable, as metrics indicate poor data quality at this position in the gnomAD database. This variant has been observed in individual(s) with oculopharyngeal muscular dystrophy (PMID: 17138075). ClinVar contains an entry for this variant (Variation ID: 279930). Experimental studies and prediction algorithms are not available or were not evaluated, and the functional significance of this variant is currently unknown. This variant results in expansion of a poly-alanine tract in PABPN1. Expansions of the alanine tracts in PABPN1 have been observed in individuals with PABPN1-related conditions (PMID: 9462747, 15645184). For these reasons, this variant has been classified as Pathogenic.

Revvity Omics, Revvity
Classification: Pathogenic for Oculopharyngeal muscular dystrophy 1. Last evaluated: 2025-08-04. Review status: criteria provided, single submitter. Criteria: ACMG Guidelines, 2015. Collection method: clinical testing. Allele origin: germline.

Blueprint Genetics
Classification: Pathogenic for PABPN1-related disorders. Last evaluated: 2024-09-20. Review status: criteria provided, single submitter. Criteria: ACMG Guidelines, 2015. Collection method: clinical testing. Allele origin: germline. Affected: yes. Observed: 5 variant alleles.

Ambry Genetics
Classification: Pathogenic for Inborn genetic diseases. Last evaluated: 2024-02-23. Review status: criteria provided, single submitter. Criteria: Ambry Variant Classification Scheme 2023. Collection method: clinical testing. Allele origin: germline.
Comment: The c.15_23dupGGCGGCGGC (p.A9_A11dup) alteration, located in coding exon 1 of the PABPN1 gene, results from an in-frame duplication of 9 nucleotides at positions 15 to 23. This results in the insertion of 3 alanine residues between codons 9 and 11. This is a GCN trinucleotide repeat expansion with 13 repeats; also known as GCN[13]. Based on data from gnomAD, this allele has an overall frequency of 0.003% (1/29646) total alleles studied. The highest observed frequency was 0.007% (1/14964) of European (non-Finnish) alleles. Most individuals with oculopharyngeal muscular dystrophy carry a heterozygous GCN trinucleotide repeat expansion of 11 to 18 repeats in the first exon of the PABPN1 gene (Trollet, 2020) This amino acid position is well conserved in available vertebrate species. Based on the available evidence, this alteration is classified as pathogenic.

Equipe Genetique des Anomalies du Developpement, Université de Bourgogne
Classification: Pathogenic for Oculopharyngeal muscular dystrophy 1. Last evaluated: 2023-08-22. Review status: criteria provided, single submitter. Criteria: ACMG Guidelines, 2015. Collection method: clinical testing. Allele origin: unknown. Inheritance: Autosomal dominant inheritance. Affected: yes.

Clinical Genetics Laboratory, Skane University Hospital Lund
Classification: Pathogenic. Last evaluated: 2023-07-27. Review status: criteria provided, single submitter. Criteria: ACMG Guidelines, 2015. Collection method: clinical testing. Allele origin: germline. Affected: yes.

Fulgent Genetics
Classification: Pathogenic for Oculopharyngeal muscular dystrophy 1. Last evaluated: 2022-04-30. Review status: criteria provided, single submitter. Criteria: ACMG Guidelines, 2015. Collection method: clinical testing. Allele origin: unknown.

CeGaT Center for Human Genetics Tuebingen
Classification: Pathogenic. Last evaluated: 2020-12-01. Review status: criteria provided, single submitter. Criteria: CeGaT Center For Human Genetics Tuebingen Variant Classification Criteria Version 2. Collection method: clinical testing. Allele origin: germline. Affected: yes. Observed: 1 variant allele.

Institute of Medical Genetics and Applied Genomics, University Hospital Tübingen
Classification: Pathogenic. Last evaluated: 2020-10-23. Review status: criteria provided, single submitter. Criteria: ACMG Guidelines, 2015. Collection method: clinical testing. Allele origin: germline. Inheritance: Unknown mechanism. Affected: yes.

Mendelics
Classification: Pathogenic for Oculopharyngeal muscular dystrophy 1. Last evaluated: 2019-05-28. Review status: criteria provided, single submitter. Criteria: Mendelics Assertion Criteria 2017. Collection method: clinical testing. Allele origin: unknown.

HudsonAlpha Institute for Biotechnology
Classification: Likely pathogenic for Oculopharyngeal muscular dystrophy 1. Last evaluated: 2019-03-12. Review status: criteria provided, single submitter. Criteria: ACMG Guidelines, 2015. Collection method: research. Allele origin: unknown. Affected: yes. Observed: 1 variant allele. Study: HudsonAlpha-AGHI-WGS.

GeneDx
Classification: Pathogenic. Last evaluated: 2018-11-19. Review status: criteria provided, single submitter. Criteria: GeneDx Variant Classification (06012015). Collection method: clinical testing. Allele origin: germline. Affected: yes.
Comment: The c.15_23dupGGCGGCGGC variant in the PABPN1 gene has been reported previously in multiple individuals with oculopharyngeal muscular dystrophy (OPMD), and accounts for up to 40% of pathogenic PABPN1 expansion alleles (Brais et al., 1998; Trollet et al., 2014). The c.15_23dupGGCGGCGGC causes an in-frame duplication of 3 Alanine repeats expanding the normal tract of 10 Alanines to a pathogenic repeat expansion of 13 Alanines, denoted p.A9_A11dup. Sufficient data from control individuals in the NHLBI Exome Sequencing Project and Exome Aggregation Consortium data sets were not available to assess the frequency of the c.15_23dupGGCGGCGGC variant in the general population. We interpret c.15_23dupGGCGGCGGC as a pathogenic variant.

Juno Genomics, Hangzhou Juno Genomics, Inc
Classification: Likely pathogenic for Oculopharyngeal muscular dystrophy 1. Review status: criteria provided, single submitter. Criteria: ACMG Guidelines, 2015. Collection method: clinical testing. Allele origin: germline.
Comment: Absent from controls (or at extremely low frequency if recessive) in Genome Aggregation Database.;Protein length changes due to in-frame deletions/insertions in a non-repeat region or stop-loss variants.;Located in a mutational hot spot and/or critical and well-established functional domain without benign variation.;The prevalence of the variant in affected individuals is significantly increased compared to the prevalence in controls.;Co-segregation with disease in multiple affected family members.

Literature cited by the submitters: PubMed 17138075 (cited by Labcorp Genetics (formerly Invitae), Labcorp); PubMed 9462747 (cited by Labcorp Genetics (formerly Invitae), Labcorp); PubMed 15645184 (cited by Labcorp Genetics (formerly Invitae), Labcorp); PubMed 20301305 (cited by Ambry Genetics).

NM_004643.3(PABPN1):c.3GGC[10] (p.Ala9_Ala11dup)

Genes: BCL2L2-PABPN1 (BCL2L2-PABPN1 readthrough; plus strand), PABPN1 (poly(A) binding protein nuclear 1; plus strand). Cytogenetic location: 14q11.2.
Variant type: Microsatellite.
Coding change: c.3GGC[10] on transcript NM_004643.3; ten copies in a row of the 3-base unit GGC starting at c.3; the reference has seven copies in a row; three copies, 9 bases duplicated; also written c.15_23dup.
Protein change: p.Ala9_Ala11dup.
Molecular consequence: inframe insertion, initiator codon variant (on NM_004643.4). On other transcripts: intron variant (8).
Genome position (GRCh38, 1-based): chr14:23,321,484-23,321,492, GGCGGCGGC duplicated; duplicating any 9 consecutive bases within chr14:23,321,472-23,321,492 gives the same sequence; the position shown is the placement nearest the transcript's 3' end. VCF-style (leftmost placement, unchanged base first): chr14-23321471-T-TGGCGGCGGC. GRCh37 (hg19) VCF-style: chr14-23790680-T-TGGCGGCGGC.
Other names: c.15_23dup (NM_004643.4, NM_004643.3); c.3GGC[10], p.Ala11_Gly12insAlaAlaAla (NM_001360551.3, NM_004643.4); c.529-709GGC[10] (NM_001387343.1, NM_001387342.1, NM_001387344.1 and 1 more transcripts); c.433-709GGC[10] (NM_001387345.1, NM_001387346.1, NM_001199864.3); c.550-709GGC[10] (NM_001387340.1).
Identifiers: ClinVar variation 279930 (VCV000279930.54), dbSNP rs193922941, ClinGen allele CA10603299.